The following is an entry in ClinVar:

NM_001354930.2(RIPK1):c.1871T>C (p.Leu624Pro)

Gene: RIPK1 (receptor interacting serine/threonine kinase 1; plus strand). Cytogenetic location: 6p25.2.
Variant type: single nucleotide variant.
Coding change: c.1871T>C on transcript NM_001354930.2 (MANE Select); coding-DNA position 1871, T replaced by C.
Protein change: p.Leu624Pro; replaces leucine 624 with proline.
Molecular consequence: missense variant.
Genome position (GRCh38, 1-based): chr6:3,113,194, T>C. VCF-style: chr6-3113194-T-C. GRCh37 (hg19) VCF-style: chr6-3113428-T-C.
Other names: c.1871T>C (NM_003804.3); c.1382T>C, p.Leu461Pro (NM_001317061.3, NM_001354932.2, NM_001354933.2 and 1 more transcripts); c.1733T>C, p.Leu578Pro (NM_001354931.2); c.1871T>C, p.Leu624Pro (NM_003804.6); short protein forms L624P, L461P, L578P.
Identifiers: ClinVar variation 1908033 (VCV001908033.6), dbSNP rs2533401754, ClinGen allele CA362578118.

ClinVar aggregate classification (germline): Uncertain significance. Review status: criteria provided, multiple submitters, no conflicts (2 of 4 stars). 2 submissions from 2 submitters: Uncertain significance (2). Last evaluated 2025-10-07.

Conditions:
Inborn genetic diseases. Identifiers: MedGen C0950123, MeSH D030342.

Submissions (2):

Ambry Genetics
Classification: Uncertain significance for Inborn genetic diseases. Last evaluated: 2025-10-07. Review status: criteria provided, single submitter. Criteria: Ambry Variant Classification Scheme 2023. Collection method: clinical testing. Allele origin: germline.

Labcorp Genetics (formerly Invitae), Labcorp
Classification: Uncertain significance. Last evaluated: 2022-07-24. Review status: criteria provided, single submitter. Criteria: Invitae Variant Classification Sherloc (09022015). Collection method: clinical testing. Allele origin: germline.
Comment: In summary, the available evidence is currently insufficient to determine the role of this variant in disease. Therefore, it has been classified as a Variant of Uncertain Significance. Algorithms developed to predict the effect of missense changes on protein structure and function are either unavailable or do not agree on the potential impact of this missense change (SIFT: "Not Available"; PolyPhen-2: "Probably Damaging"; Align-GVGD: "Not Available"). This variant has not been reported in the literature in individuals affected with RIPK1-related conditions. This variant is not present in population databases (gnomAD no frequency). This sequence change replaces leucine, which is neutral and non-polar, with proline, which is neutral and non-polar, at codon 624 of the RIPK1 protein (p.Leu624Pro).